The following is an entry in ClinVar:

NM_001256545.2(MEGF10):c.1975+9C>T

Gene: MEGF10 (multiple EGF like domains 10; plus strand). Cytogenetic location: 5q23.2.
Variant type: single nucleotide variant.
Coding change: c.1975+9C>T on transcript NM_001256545.2 (MANE Select); 9 bases into the intron after coding-DNA position 1975, C replaced by T.
Molecular consequence: intron variant.
Genome position (GRCh38, 1-based): chr5:127,434,830, C>T. VCF-style: chr5-127434830-C-T. GRCh37 (hg19) VCF-style: chr5-126770522-C-T.
Other names: p.?; c.1975+9C>T (NM_032446.3).
Identifiers: ClinVar variation 2098487 (VCV002098487.6), dbSNP rs755204236, ClinGen allele CA3391790.
Genomic context (GRCh38, chr5:127,434,830, plus strand): 5'-ACCGGCCTGTGTGACTGCTTGCCTGGCTTCACAGGCGCCCTCTGCAATGAAGGTAAGGCA[C>T]GAAGCATCCCGGACAGCTGGGTGGTGATGAGCACGCCCCGGAGAGTCTGTCCTCAGGCCT-3'

ClinVar aggregate classification (germline): Likely benign. Review status: criteria provided, multiple submitters, no conflicts (2 of 4 stars). 3 submissions from 3 submitters: Likely benign (3). Last evaluated 2025-05-27.

Conditions:
MEGF10-related myopathy (CMYO10A). Also called: Congenital myopathy 10A, severe variant. Identifiers: Orphanet 439212, MedGen C3280679, MONDO:0013731, OMIM 614399.

Allele frequency attached by ClinVar (database versions not stated): gnomAD 0.00001; TOPMed 0.00003.
gnomAD v4.1: 18 of 1,610,156 alleles (0.0011%); highest among the groups gnomAD compares: Middle Eastern, 0.016%; no homozygotes.

Submissions (3):

Mayo Clinic Laboratories, Mayo Clinic
Classification: Likely benign. Last evaluated: 2025-05-27. Review status: criteria provided, single submitter. Criteria: ACMG Guidelines, 2015. Collection method: clinical testing. Allele origin: germline. Observed: 1 variant allele.
Comment: BP4, BP7

Labcorp Genetics (formerly Invitae), Labcorp
Classification: Likely benign for MEGF10-related myopathy. Last evaluated: 2022-04-09. Review status: criteria provided, single submitter. Criteria: Invitae Variant Classification Sherloc (09022015). Collection method: clinical testing. Allele origin: germline.

Blueprint Genetics
Classification: Likely benign. Last evaluated: 2022-01-25. Review status: criteria provided, single submitter. Criteria: ACMG Guidelines, 2015. Collection method: clinical testing. Allele origin: germline.